The following is an entry in ClinVar:

NM_031407.7(HUWE1):c.12317A>G (p.Tyr4106Cys)

Gene: HUWE1 (HECT, UBA and WWE domain containing E3 ubiquitin protein ligase 1; minus strand). Cytogenetic location: Xp11.22.
Variant type: single nucleotide variant.
Coding change: c.12317A>G on transcript NM_031407.7 (MANE Select); coding-DNA position 12317, A replaced by G.
Protein change: p.Tyr4106Cys; replaces tyrosine 4106 with cysteine.
Molecular consequence: missense variant.
Genome position (GRCh38, 1-based): chrX:53,536,488, T>C on the plus strand (A>G on the coding strand, the complement: HUWE1 is on the minus strand). VCF-style: chrX-53536488-T-C. GRCh37 (hg19) VCF-style: chrX-53563449-T-C.
Other names: short protein forms Y4106C.
Identifiers: ClinVar variation 375721 (VCV000375721.5), dbSNP rs1556913180, ClinGen allele CA413150693.
Genomic context (GRCh38, chrX:53,536,488, plus strand): 5'-CACTCCAGAAGACGGTTGTCATATACAGCTTTGGCCACAATGCGTCCGACAAACTTGAAG[T>C]AGCTGAGGTGGTTGGGGTTGCAGTGGGAAGATGGATTGATGGTGTAGGTGACTCGATCAC-3'
Protein context (NP_113584.3, residues 4096-4116): SSHCNPNHLS[Tyr4106Cys]FKFVGRIVAK

ClinVar aggregate classification (germline): Likely pathogenic. Review status: criteria provided, single submitter (1 of 4 stars). 2 submissions from 2 submitters: Likely pathogenic (1). 1 of the submissions does not count toward it. Last evaluated 2017-01-18.

Conditions:
Intellectual developmental disorder, X-linked, syndromic, Turner type. Also called: Intellectual disability, X-linked syndromic, Turner type; X-linked intellectual disability, Turner type. Identifiers: Orphanet 3056, Orphanet 85328, MedGen C2678046, MONDO:0010407, OMIM 309590.

Submissions (2):

Center for Medical Genetics and Molecular Medicine, Haukeland University Hospital
Classification: Likely pathogenic for Intellectual developmental disorder, X-linked, syndromic, Turner type. Last evaluated: 2017-01-18. Review status: criteria provided, single submitter. Criteria: ACMG Guidelines, 2015. Collection method: clinical testing. Allele origin: de novo. Inheritance: X-linked inheritance. Affected: no. Observed: 1 variant allele.
Comment: ACMG evidence: PS(1), PM(1), PP(2)

OMIM
Classification: Pathogenic for INTELLECTUAL DEVELOPMENTAL DISORDER, X-LINKED, SYNDROMIC, TURNER TYPE. Last evaluated: 2021-08-20. Review status: no assertion criteria provided. Collection method: literature only. Allele origin: germline. Not counted in ClinVar's aggregate classification.

Literature cited by the submitters: PubMed 29180823 (cited by OMIM).